The following is an entry in ClinVar:

ClinVar aggregate classification (germline): Uncertain significance (1 of 4 stars; one submission).

Submission:

GeneDx
Classification: Uncertain significance. Last evaluated: 2025-07-30. Review status: criteria provided, single submitter. Criteria: GeneDx Variant Classification Process June 2021. Collection method: clinical testing. Allele origin: germline. Affected: yes.
Comment: Not observed at significant frequency in large population cohorts (gnomAD); In silico analysis supports that this missense variant has a deleterious effect on protein structure/function; Has not been previously published as pathogenic or benign to our knowledge

NM_000937.5(POLR2A):c.5066C>A (p.Ser1689Tyr)

Gene: POLR2A (RNA polymerase II subunit A; plus strand). Cytogenetic location: 17p13.1.
Variant type: single nucleotide variant.
Coding change: c.5066C>A on transcript NM_000937.5 (MANE Select); coding-DNA position 5066, C replaced by A.
Protein change: p.Ser1689Tyr; replaces serine 1689 with tyrosine.
Molecular consequence: missense variant.
Genome position (GRCh38, 1-based): chr17:7,513,330, C>A. VCF-style: chr17-7513330-C-A. GRCh37 (hg19) VCF-style: chr17-7416649-C-A.
Other names: short protein forms S1689Y.
Identifiers: ClinVar variation 1806782 (VCV001806782.2), dbSNP rs1395404781, ClinGen allele CA397835300.